The following is an entry in ClinVar:

NM_032119.4(ADGRV1):c.16655del (p.Pro5552fs)

Gene: ADGRV1 (adhesion G protein-coupled receptor V1; plus strand). Cytogenetic location: 5q14.3.
Variant type: Deletion.
Coding change: c.16655del on transcript NM_032119.4 (MANE Select); coding-DNA position 16655, one base deleted (C; older notation c.16655delC).
Protein change: p.Pro5552fs; shifts the reading frame from proline 5552.
Molecular consequence: frameshift variant. On other transcripts: non-coding transcript variant (1).
Genome position (GRCh38, 1-based): chr5:90,840,621, C deleted; the last of 2 consecutive C bases (chr5:90,840,620-90,840,621); deleting either gives the same sequence. VCF-style (leftmost placement, unchanged base first): chr5-90840619-TC-T. GRCh37 (hg19) VCF-style: chr5-90136436-TC-T.
Other names: short protein forms P5552fs.
Identifiers: ClinVar variation 2806064 (VCV002806064.3), dbSNP rs748550691, ClinGen allele CA3342216.

ClinVar aggregate classification (germline): Pathogenic (1 of 4 stars; one submission).

Submission:

Labcorp Genetics (formerly Invitae), Labcorp
Classification: Pathogenic. Last evaluated: 2024-01-26. Review status: criteria provided, single submitter. Criteria: Invitae Variant Classification Sherloc (09022015). Collection method: clinical testing. Allele origin: germline.
Comment: This sequence change creates a premature translational stop signal (p.Pro5552Glnfs*9) in the ADGRV1 gene. It is expected to result in an absent or disrupted protein product. Loss-of-function variants in ADGRV1 are known to be pathogenic (PMID: 19357117, 22135276, 22147658, 26226137, 30718709, 31047384, 32467589). This variant is present in population databases (rs748550691, gnomAD 0.006%). This variant has not been reported in the literature in individuals affected with ADGRV1-related conditions. For these reasons, this variant has been classified as Pathogenic.

Literature cited by the submitters: PubMed 19357117; PubMed 22135276; PubMed 22147658; PubMed 26226137; PubMed 30718709; PubMed 31047384; PubMed 32467589.